The following is an entry in ClinVar:

ClinVar aggregate classification (germline): Uncertain significance. Review status: criteria provided, multiple submitters, no conflicts (2 of 4 stars). 2 submissions from 2 submitters: Uncertain significance (2). Last evaluated 2024-09-27.

Conditions:
Inborn genetic diseases. Identifiers: MedGen C0950123, MeSH D030342.
Congenital adrenal hyperplasia due to cytochrome P450 oxidoreductase deficiency. Also called: DISORDERED STEROIDOGENESIS DUE TO POR DEFICIENCY. Identifiers: Orphanet 95699, MedGen C1860042, MONDO:0013310, OMIM 613571.

Submissions (2):

Ambry Genetics
Classification: Uncertain significance for Inborn genetic diseases. Last evaluated: 2024-09-27. Review status: criteria provided, single submitter. Criteria: Ambry Variant Classification Scheme 2023. Collection method: clinical testing. Allele origin: germline.

Labcorp Genetics (formerly Invitae), Labcorp
Classification: Uncertain significance for Congenital adrenal hyperplasia due to cytochrome P450 oxidoreductase deficiency. Last evaluated: 2022-02-14. Review status: criteria provided, single submitter. Criteria: Invitae Variant Classification Sherloc (09022015). Collection method: clinical testing. Allele origin: germline.
Comment: In summary, the available evidence is currently insufficient to determine the role of this variant in disease. Therefore, it has been classified as a Variant of Uncertain Significance. This variant has not been reported in the literature in individuals affected with POR-related conditions. Algorithms developed to predict the effect of missense changes on protein structure and function (SIFT, PolyPhen-2, Align-GVGD) all suggest that this variant is likely to be disruptive. This variant is not present in population databases (gnomAD no frequency). This sequence change replaces glutamic acid, which is acidic and polar, with aspartic acid, which is acidic and polar, at codon 145 of the POR protein (p.Glu145Asp).

NM_001395413.1(POR):c.426G>C (p.Glu142Asp)

Gene: POR (cytochrome p450 oxidoreductase; plus strand). Cytogenetic location: 7q11.23.
Variant type: single nucleotide variant.
Coding change: c.426G>C on transcript NM_001395413.1 (MANE Select); coding-DNA position 426, G replaced by C.
Protein change: p.Glu142Asp; replaces glutamic acid 142 with aspartic acid.
Molecular consequence: missense variant.
Genome position (GRCh38, 1-based): chr7:75,980,407, G>C. VCF-style: chr7-75980407-G-C. GRCh37 (hg19) VCF-style: chr7-75609725-G-C.
Other names: c.435G>C, p.Glu145Asp (NM_000941.2, NM_000941.3); c.426G>C, p.Glu142Asp (NM_001367562.3, NM_001382657.2, NM_001382658.3 and 2 more transcripts); c.480G>C, p.Glu160Asp (NM_001382655.3); short protein forms E142D, E145D, E160D.
Identifiers: ClinVar variation 2097630 (VCV002097630.5), dbSNP rs2535372808, ClinGen allele CA367747742.
Genomic context (GRCh38, chr7:75,980,407, plus strand): 5'-GAGCAGCCTGCCAGAGATCGACAACGCCCTGGTGGTTTTCTGCATGGCCACCTACGGTGA[G>C]GGAGACCCCACCGACAATGCCCAGGACTTCTACGACTGGCTGCAGGAGACAGACGTGGAT-3'
Protein context (NP_001382342.1, residues 132-152): LVVFCMATYG[Glu142Asp]GDPTDNAQDF